The following is an entry in ClinVar:

NC_000017.11:g.61683447delinsAA

Gene: BRIP1 (BRCA1 interacting DNA helicase 1; minus strand). Cytogenetic location: 17q23.2.
Variant type: Indel.
Genome position: GRCh38 VCF-style: chr17-61683447-T-AA. GRCh37 (hg19) VCF-style: chr17-59760808-T-AA.
Other names: c.3599delinsTT, p.His1200fs (LRG_300t1).
Identifiers: ClinVar variation 461158 (VCV000461158.6), dbSNP rs1555572516, ClinGen allele CA658658648.
Genomic context (GRCh38, chr17:61,683,447, plus strand): 5'-TCATTTATCCAAGTTGTTTTTACATTACCATCAATGTCATCAATTTTACTTTCTTCAATA[T>AA]GCAGAATTCCATTCAACTTTGTATCTATGCAATCCTCAGCTTTCACTTCTCTGGCTGAAT-3'

ClinVar aggregate classification (germline): Uncertain significance (1 of 4 stars; one submission).

Conditions:
Fanconi anemia complementation group J. Also called: BRIP1-Related Fanconi Anemia. Identifiers: Orphanet 84, MedGen C1836860, MONDO:0012187, OMIM 609054.
Familial cancer of breast. Also called: BREAST CANCER, FAMILIAL; hereditary breast carcinoma; Hereditary breast cancer. Identifiers: Orphanet 227535, MedGen C0346153, MONDO:0016419, OMIM 114480. Disease mechanism: loss of function.

Submission:

Labcorp Genetics (formerly Invitae), Labcorp
Classification: Uncertain significance for Familial cancer of breast; Fanconi anemia complementation group J. Last evaluated: 2017-06-08. Review status: criteria provided, single submitter. Criteria: Invitae Variant Classification Sherloc (09022015). Collection method: clinical testing. Allele origin: germline.
Comment: In summary, this variant has uncertain impact on BRIP1 function. The available evidence is currently insufficient to determine its role in disease. Therefore, it has been classified as a Variant of Uncertain Significance. This variant has not been reported in the literature in individuals with a BRIP1-related disease. This variant is not present in population databases (ExAC no frequency). This sequence change results in a premature translational stop signal in the BRIP1 gene (p.Ile1201Tyrfs*2). While this is not anticipated to result in nonsense mediated decay, it is expected to disrupt the last 50 amino acids of the BRIP1 protein.